The following is an entry in ClinVar:

ClinVar aggregate classification (germline): Uncertain significance (1 of 4 stars; one submission).

Conditions:
Hereditary breast ovarian cancer syndrome. Also called: Hereditary breast and/or ovarian cancer syndrome; Hereditary breast and ovarian cancer syndrome (HBOC); Breast and ovarian cancer; Hereditary breast and ovarian cancer syndrome; Hereditary breast and ovarian cancer; BRCA1- and BRCA2-Associated Hereditary Breast and Ovarian Cancer. Identifiers: Orphanet 145, MedGen C0677776, MeSH D061325, MONDO:0003582. Disease mechanism: loss of function.

Submission:

Labcorp Genetics (formerly Invitae), Labcorp
Classification: Uncertain significance for Hereditary breast ovarian cancer syndrome. Last evaluated: 2023-12-08. Review status: criteria provided, single submitter. Criteria: Invitae Variant Classification Sherloc (09022015). Collection method: clinical testing. Allele origin: germline.
Comment: This sequence change replaces isoleucine, which is neutral and non-polar, with asparagine, which is neutral and polar, at codon 2822 of the BRCA2 protein (p.Ile2822Asn). This variant is not present in population databases (gnomAD no frequency). This variant has not been reported in the literature in individuals affected with BRCA2-related conditions. Advanced modeling of protein sequence and biophysical properties (such as structural, functional, and spatial information, amino acid conservation, physicochemical variation, residue mobility, and thermodynamic stability) performed at Invitae indicates that this missense variant is not expected to disrupt BRCA2 protein function with a negative predictive value of 95%. In summary, the available evidence is currently insufficient to determine the role of this variant in disease. Therefore, it has been classified as a Variant of Uncertain Significance.

NM_000059.4(BRCA2):c.8465T>A (p.Ile2822Asn)

Gene: BRCA2 (BRCA2 DNA repair associated; plus strand). Cytogenetic location: 13q13.1.
Variant type: single nucleotide variant.
Coding change: c.8465T>A on transcript NM_000059.4 (MANE Select); coding-DNA position 8465, T replaced by A.
Protein change: p.Ile2822Asn; replaces isoleucine 2822 with asparagine.
Molecular consequence: missense variant. On other transcripts: non-coding transcript variant (1).
Genome position (GRCh38, 1-based): chr13:32,370,535, T>A. VCF-style: chr13-32370535-T-A. GRCh37 (hg19) VCF-style: chr13-32944672-T-A.
Other names: c.8369T>A, p.Ile2790Asn (NM_001406719.1); c.8465T>A, p.Ile2822Asn (NM_001406720.1); c.3533T>A, p.Ile1178Asn (NM_001406721.1); c.2048T>A, p.Ile683Asn (NM_001406722.1); short protein forms I1178N, I2822N, I2790N, I683N.
Identifiers: ClinVar variation 2701430 (VCV002701430.3), dbSNP rs1566248924, ClinGen allele CA387752608.